The following is an entry in ClinVar:

NM_000069.3(CACNA1S):c.5048+8C>T

Gene: CACNA1S (calcium voltage-gated channel subunit alpha1 S; minus strand). Cytogenetic location: 1q32.1.
Variant type: single nucleotide variant.
Coding change: c.5048+8C>T on transcript NM_000069.3 (MANE Select); 8 bases into the intron after coding-DNA position 5048, C replaced by T.
Molecular consequence: intron variant.
Genome position (GRCh38, 1-based): chr1:201,043,273, G>A on the plus strand (C>T on the coding strand, the complement: CACNA1S is on the minus strand). VCF-style: chr1-201043273-G-A. GRCh37 (hg19) VCF-style: chr1-201012401-G-A.
Identifiers: ClinVar variation 680385 (VCV000680385.20), dbSNP rs759622507, ClinGen allele CA083696.

ClinVar aggregate classification (germline): Likely benign. Review status: criteria provided, multiple submitters, no conflicts (2 of 4 stars). 7 submissions from 4 submitters: Likely benign (7). Last evaluated 2025-06-06.

Conditions:
Hypokalemic periodic paralysis, type 1. Also called: HypoPP; Hypokalemic Periodic Paralysis Type 1 (AD). Identifiers: Orphanet 681, MedGen C3714580, MONDO:0042979, OMIM 170400.
Malignant hyperthermia, susceptibility to, 5 (MHS5). Also called: CACNA1S-Related Malignant Hyperthermia Susceptibility. Identifiers: Orphanet 423, MedGen C1866077, MONDO:0011163, OMIM 601887.
Thyrotoxic periodic paralysis, susceptibility to, 1 (TTPP1). Identifiers: Orphanet 79102, MedGen C2749982, MONDO:0008570, OMIM 188580.
Congenital myopathy 18. Also called: Myopathy, congenital, due to dihydropyridine receptor defect; DIHYDROPYRIDINE RECEPTOR CONGENITAL MYOPATHY; DHPR CONGENITAL MYOPATHY. Identifiers: MedGen C5830283, MONDO:0859514, OMIM 620246.

Allele frequency attached by ClinVar (database versions not stated): gnomAD 0.00001; gnomAD exomes 0.00004; ExAC 0.00005; TOPMed 0.00005.
gnomAD v4.1: 43 of 1,613,994 alleles (0.0027%); highest among the groups gnomAD compares: East Asian, 0.071%; no homozygotes.

Submissions (7):

Labcorp Genetics (formerly Invitae), Labcorp
Classification: Likely benign for Hypokalemic periodic paralysis, type 1; Malignant hyperthermia, susceptibility to, 5. Last evaluated: 2025-06-06. Review status: criteria provided, single submitter. Criteria: Invitae Variant Classification Sherloc (09022015). Collection method: clinical testing. Allele origin: germline.

Genome-Nilou Lab
Classification: Likely benign for Malignant hyperthermia, susceptibility to, 5. Last evaluated: 2023-04-11. Review status: criteria provided, single submitter. Criteria: ACMG Guidelines, 2015. Collection method: clinical testing. Allele origin: germline. Affected: no.

Genome-Nilou Lab
Classification: Likely benign for Thyrotoxic periodic paralysis, susceptibility to, 1. Last evaluated: 2023-04-11. Review status: criteria provided, single submitter. Criteria: ACMG Guidelines, 2015. Collection method: clinical testing. Allele origin: germline. Affected: no.

Genome-Nilou Lab
Classification: Likely benign for Congenital myopathy 18. Last evaluated: 2023-04-11. Review status: criteria provided, single submitter. Criteria: ACMG Guidelines, 2015. Collection method: clinical testing. Allele origin: germline. Affected: no.

Genome-Nilou Lab
Classification: Likely benign for Hypokalemic periodic paralysis, type 1. Last evaluated: 2023-04-11. Review status: criteria provided, single submitter. Criteria: ACMG Guidelines, 2015. Collection method: clinical testing. Allele origin: germline. Affected: no.

Fulgent Genetics
Classification: Likely benign for Hypokalemic periodic paralysis, type 1; Thyrotoxic periodic paralysis, susceptibility to, 1; Malignant hyperthermia, susceptibility to, 5. Last evaluated: 2022-03-09. Review status: criteria provided, single submitter. Criteria: ACMG Guidelines, 2015. Collection method: clinical testing. Allele origin: unknown.

GeneDx
Classification: Likely benign. Last evaluated: 2018-03-20. Review status: criteria provided, single submitter. Criteria: GeneDx Variant Classification (06012015). Collection method: clinical testing. Allele origin: germline. Affected: yes.
Comment: This variant is considered likely benign or benign based on one or more of the following criteria: it is a conservative change, it occurs at a poorly conserved position in the protein, it is predicted to be benign by multiple in silico algorithms, and/or has population frequency not consistent with disease.